The following is an entry in ClinVar:

ClinVar aggregate classification (germline): Likely benign. Review status: criteria provided, multiple submitters, no conflicts (2 of 4 stars). 2 submissions from 2 submitters: Likely benign (2). Last evaluated 2026-05-28.

Conditions:
TTN-related disorder. Also called: TTN-related disorders; TTN-related condition; TTN-related disease.
Dilated cardiomyopathy 1G (CMD1G). Identifiers: Orphanet 154, MedGen C1858763, MONDO:0011400, OMIM 604145.
Autosomal recessive limb-girdle muscular dystrophy type 2J (LGMDR10). Also called: Limb-girdle muscular dystrophy, type 2J; MUSCULAR DYSTROPHY, LIMB-GIRDLE, AUTOSOMAL RECESSIVE 10. Identifiers: Orphanet 140922, MedGen C1837342, MONDO:0012127, OMIM 608807.

Allele frequency attached by ClinVar (database versions not stated): gnomAD exomes below 0.00001; gnomAD 0.00002; TOPMed 0.00002.
gnomAD v4.1: 4 of 1,606,966 alleles (0.00025%); highest among the groups gnomAD compares: African/African-American, 0.0054%; no homozygotes.

Submissions (2):

PreventionGenetics, part of Exact Sciences
Classification: Likely benign for TTN-related condition. Last evaluated: 2026-05-28. Review status: criteria provided, single submitter. Criteria: ACMG Guidelines, 2015. Collection method: clinical testing. Allele origin: germline.
Comment: This variant is classified as likely benign based on ACMG/AMP sequence variant interpretation guidelines (Richards et al. 2015 PMID: 25741868, with internal and published modifications).

Labcorp Genetics (formerly Invitae), Labcorp
Classification: Likely benign for Dilated cardiomyopathy 1G; Autosomal recessive limb-girdle muscular dystrophy type 2J. Last evaluated: 2026-01-27. Review status: criteria provided, single submitter. Criteria: Invitae Variant Classification Sherloc (09022015). Collection method: clinical testing. Allele origin: germline.

NM_001267550.2(TTN):c.25077A>G (p.Pro8359=)

Gene: TTN (titin; minus strand). Cytogenetic location: 2q31.2.
Variant type: single nucleotide variant.
Coding change: c.25077A>G on transcript NM_001267550.2 (MANE Select); coding-DNA position 25077, A replaced by G.
Protein change: p.Pro8359=; no amino-acid change (proline 8359 retained).
Molecular consequence: synonymous variant. On other transcripts: intron variant (3).
Genome position (GRCh38, 1-based): chr2:178,717,797, T>C on the plus strand (A>G on the coding strand, the complement: TTN is on the minus strand). VCF-style: chr2-178717797-T-C. GRCh37 (hg19) VCF-style: chr2-179582524-T-C.
Other names: c.24126A>G, p.Pro8042= (NM_001256850.1); c.21345A>G, p.Pro7115= (NM_133378.4); c.13282+20285A>G (NM_003319.4); c.13858+20285A>G (NM_133437.4); c.13657+20285A>G (NM_133432.3).
Identifiers: ClinVar variation 1157436 (VCV001157436.10), dbSNP rs1306440265, ClinGen allele CA430286210.